The following is an entry in ClinVar:

ClinVar aggregate classification (germline): Uncertain significance (1 of 4 stars; one submission).

Conditions:
Pontocerebellar hypoplasia type 6 (PCH6). Identifiers: Orphanet 166073, MedGen C1969084, MONDO:0012683, OMIM 611523.

Submission:

Institute of Human Genetics, University of Leipzig Medical Center
Classification: Uncertain significance for Pontocerebellar hypoplasia type 6. Last evaluated: 2026-04-15. Review status: criteria provided, single submitter. Criteria: ACMG Guidelines, 2015. Collection method: clinical testing. Allele origin: maternal. Inheritance: Autosomal recessive inheritance. Affected: yes.
Comment: Criteria applied: PM2,PP3

NM_020320.5(RARS2):c.1511+75A>G

Gene: RARS2 (arginyl-tRNA synthetase 2, mitochondrial; minus strand). Cytogenetic location: 6q15.
Variant type: single nucleotide variant.
Coding change: c.1511+75A>G on transcript NM_020320.5 (MANE Select); 75 bases into the intron after coding-DNA position 1511, A replaced by G.
Molecular consequence: intron variant. On other transcripts: non-coding transcript variant (4).
Genome position (GRCh38, 1-based): chr6:87,518,094, T>C on the plus strand (A>G on the coding strand, the complement: RARS2 is on the minus strand). VCF-style: chr6-87518094-T-C. GRCh37 (hg19) VCF-style: chr6-88227812-T-C.
Other names: c.1511+75A>G (NM_001350505.2); c.986+75A>G (NM_001350509.2, NM_001318785.2, NM_001350506.2 and 4 more transcripts).
Identifiers: ClinVar variation 4857472 (VCV004857472.1).